The following is an entry in ClinVar:

NM_001805.4(CEBPE):c.354G>A (p.Val118=)

Gene: CEBPE (CCAAT enhancer binding protein epsilon; minus strand). Cytogenetic location: 14q11.2.
Variant type: single nucleotide variant.
Coding change: c.354G>A on transcript NM_001805.4 (MANE Select); coding-DNA position 354, G replaced by A.
Protein change: p.Val118=; no amino-acid change (valine 118 retained).
Molecular consequence: synonymous variant.
Genome position (GRCh38, 1-based): chr14:23,118,738, C>T on the plus strand (G>A on the coding strand, the complement: CEBPE is on the minus strand). VCF-style: chr14-23118738-C-T. GRCh37 (hg19) VCF-style: chr14-23587947-C-T.
Identifiers: ClinVar variation 3769293 (VCV003769293.2).

ClinVar aggregate classification (germline): Likely benign (1 of 4 stars; one submission).

Submission:

Women's Health and Genetics/Laboratory Corporation of America, LabCorp
Classification: Likely benign. Last evaluated: 2025-01-03. Review status: criteria provided, single submitter. Criteria: LabCorp Variant Classification Summary - May 2015. Collection method: clinical testing. Allele origin: germline.
Comment: Variant summary: CEBPE c.354G>A alters a conserved nucleotide resulting in a synonymous change. Consensus agreement among computation tools predict no significant impact on normal splicing. However, these predictions have yet to be confirmed by functional studies. The variant was absent in 248650 control chromosomes. The available data on variant occurrences in the general population are insufficient to allow any conclusion about variant significance. To our knowledge, no occurrence of c.354G>A in individuals affected with Specific granule deficiency and no experimental evidence demonstrating its impact on protein function have been reported. No submitters have cited clinical-significance assessments for this variant to ClinVar. Based on the evidence outlined above, the variant was classified as likely benign.